The following is an entry in ClinVar:

ClinVar aggregate classification (germline): Uncertain significance. Review status: criteria provided, multiple submitters, no conflicts (2 of 4 stars). 2 submissions from 2 submitters: Uncertain significance (2). Last evaluated 2024-05-26.

Conditions:
POLD1-related polyposis and colorectal cancer syndrome (CRCS10). Also called: Colorectal cancer, susceptibility to, 10; Colorectal cancer 10; COLORECTAL CANCER, SUSCEPTIBILITY TO, ON CHROMOSOME 19q. Identifiers: Orphanet 220460, MedGen C2675481, MONDO:0012953, OMIM 612591.
Hereditary cancer-predisposing syndrome. Also called: Hereditary neoplastic syndrome; Tumor predisposition; Hereditary Cancer Syndrome; Neoplastic Syndromes, Hereditary. Identifiers: Orphanet 140162, MedGen C0027672, MeSH D009386, MONDO:0015356.

Allele frequency attached by ClinVar (database versions not stated): gnomAD exomes below 0.00001 and 0.00001; ExAC 0.00003.
gnomAD v4.1: 1 of 1,601,054 alleles (0.000062%); highest among the groups gnomAD compares: East Asian, 0.0023%; no homozygotes.

Submissions (2):

Labcorp Genetics (formerly Invitae), Labcorp
Classification: Uncertain significance for POLD1-related polyposis and colorectal cancer syndrome. Last evaluated: 2024-05-26. Review status: criteria provided, single submitter. Criteria: Invitae Variant Classification Sherloc (09022015). Collection method: clinical testing. Allele origin: germline.
Comment: This sequence change replaces proline, which is neutral and non-polar, with serine, which is neutral and polar, at codon 303 of the POLD1 protein (p.Pro303Ser). This variant is present in population databases (rs756953109, gnomAD 0.01%). This variant has not been reported in the literature in individuals affected with POLD1-related conditions. ClinVar contains an entry for this variant (Variation ID: 657215). Advanced modeling of protein sequence and biophysical properties (such as structural, functional, and spatial information, amino acid conservation, physicochemical variation, residue mobility, and thermodynamic stability) performed at Invitae indicates that this missense variant is not expected to disrupt POLD1 protein function with a negative predictive value of 80%. In summary, the available evidence is currently insufficient to determine the role of this variant in disease. Therefore, it has been classified as a Variant of Uncertain Significance.

Ambry Genetics
Classification: Uncertain significance for Hereditary cancer-predisposing syndrome. Last evaluated: 2024-03-27. Review status: criteria provided, single submitter. Criteria: Ambry Variant Classification Scheme 2023. Collection method: clinical testing. Allele origin: germline.
Comment: The p.P303S variant (also known as c.907C>T), located in coding exon 7 of the POLD1 gene, results from a C to T substitution at nucleotide position 907. The proline at codon 303 is replaced by serine, an amino acid with similar properties. This amino acid position is conserved. In addition, this alteration is predicted to be tolerated by in silico analysis. Based on the available evidence, the clinical significance of this alteration remains unclear.

NM_002691.4(POLD1):c.907C>T (p.Pro303Ser)

Gene: POLD1 (DNA polymerase delta 1, catalytic subunit; plus strand). Cytogenetic location: 19q13.33.
Variant type: single nucleotide variant.
Coding change: c.907C>T on transcript NM_002691.4 (MANE Select); coding-DNA position 907, C replaced by T.
Protein change: p.Pro303Ser; replaces proline 303 with serine.
Molecular consequence: missense variant. On other transcripts: non-coding transcript variant (1).
Genome position (GRCh38, 1-based): chr19:50,402,678, C>T. VCF-style: chr19-50402678-C-T. GRCh37 (hg19) VCF-style: chr19-50905935-C-T.
Other names: c.907C>T, p.Pro303Ser (NM_001256849.1, NM_001308632.1); c.907C>T (NM_002691.2); short protein forms P303S.
Identifiers: ClinVar variation 657215 (VCV000657215.8), dbSNP rs756953109, ClinGen allele CA9595950.